The following is an entry in ClinVar:

NM_006389.5(HYOU1):c.1400G>A (p.Arg467Gln)

Gene: HYOU1 (hypoxia up-regulated 1; minus strand). Cytogenetic location: 11q23.3.
Variant type: single nucleotide variant.
Coding change: c.1400G>A on transcript NM_006389.5 (MANE Select); coding-DNA position 1400, G replaced by A.
Protein change: p.Arg467Gln; replaces arginine 467 with glutamine.
Molecular consequence: missense variant.
Genome position (GRCh38, 1-based): chr11:119,051,564, C>T on the plus strand (G>A on the coding strand, the complement: HYOU1 is on the minus strand). VCF-style: chr11-119051564-C-T. GRCh37 (hg19) VCF-style: chr11-118922276-C-T.
Other names: c.1400G>A, p.Arg467Gln (NM_001130991.3, NM_001411041.1); short protein forms R467Q.
Identifiers: ClinVar variation 2969817 (VCV002969817.3), dbSNP rs782455800, ClinGen allele CA229621913.

ClinVar aggregate classification (germline): Uncertain significance (1 of 4 stars; one submission).

Allele frequency attached by ClinVar (database versions not stated): gnomAD 0.00001; gnomAD exomes 0.00001.
gnomAD v4.1: 11 of 1,614,040 alleles (0.00068%); highest among the groups gnomAD compares: East Asian, 0.0022%; no homozygotes.

Submission:

Labcorp Genetics (formerly Invitae), Labcorp
Classification: Uncertain significance. Last evaluated: 2024-04-12. Review status: criteria provided, single submitter. Criteria: Invitae Variant Classification Sherloc (09022015). Collection method: clinical testing. Allele origin: germline.
Comment: This sequence change replaces arginine, which is basic and polar, with glutamine, which is neutral and polar, at codon 467 of the HYOU1 protein (p.Arg467Gln). This variant is present in population databases (rs782455800, gnomAD 0.01%). This variant has not been reported in the literature in individuals affected with HYOU1-related conditions. An algorithm developed to predict the effect of missense changes on protein structure and function (PolyPhen-2) suggests that this variant is likely to be disruptive. Algorithms developed to predict the effect of sequence changes on RNA splicing suggest that this variant may create or strengthen a splice site. In summary, the available evidence is currently insufficient to determine the role of this variant in disease. Therefore, it has been classified as a Variant of Uncertain Significance.